The following is an entry in ClinVar:

ClinVar aggregate classification (germline): Uncertain significance (1 of 4 stars; one submission).

Allele frequency attached by ClinVar (database versions not stated): gnomAD 0.00001; gnomAD exomes 0.00001 and 0.00004; ExAC 0.00003; 1000 Genomes Project 30x 0.00016; 1000 Genomes Project 0.00020.
gnomAD v4.1: 15 of 1,613,778 alleles (0.00093%); highest among the groups gnomAD compares: South Asian, 0.013%; no homozygotes.

Submission:

Labcorp Genetics (formerly Invitae), Labcorp
Classification: Uncertain significance. Last evaluated: 2022-07-12. Review status: criteria provided, single submitter. Criteria: Invitae Variant Classification Sherloc (09022015). Collection method: clinical testing. Allele origin: germline.
Comment: This variant has not been reported in the literature in individuals affected with IMPDH1-related conditions. This sequence change replaces arginine, which is basic and polar, with glutamine, which is neutral and polar, at codon 142 of the IMPDH1 protein (p.Arg142Gln). This variant is present in population databases (rs552026245, gnomAD 0.03%). ClinVar contains an entry for this variant (Variation ID: 1430934). Algorithms developed to predict the effect of missense changes on protein structure and function are either unavailable or do not agree on the potential impact of this missense change (SIFT: "Deleterious"; PolyPhen-2: "Possibly Damaging"; Align-GVGD: "Class C0"). In summary, the available evidence is currently insufficient to determine the role of this variant in disease. Therefore, it has been classified as a Variant of Uncertain Significance.

NM_000883.4(IMPDH1):c.425G>A (p.Arg142Gln)

Gene: IMPDH1 (inosine monophosphate dehydrogenase 1; minus strand). Cytogenetic location: 7q32.1.
Variant type: single nucleotide variant.
Coding change: c.425G>A on transcript NM_000883.4 (MANE Select); coding-DNA position 425, G replaced by A.
Protein change: p.Arg142Gln; replaces arginine 142 with glutamine.
Molecular consequence: missense variant.
Genome position (GRCh38, 1-based): chr7:128,401,094, C>T on the plus strand (G>A on the coding strand, the complement: IMPDH1 is on the minus strand). VCF-style: chr7-128401094-C-T. GRCh37 (hg19) VCF-style: chr7-128041148-C-T.
Other names: c.395G>A, p.Arg132Gln (NM_001102605.2); c.170G>A, p.Arg57Gln (NM_001142573.2, NM_001142574.2, NM_001142575.2); c.326G>A, p.Arg109Gln (NM_001142576.2); c.218G>A, p.Arg73Gln (NM_001304521.2); c.317G>A, p.Arg106Gln (NM_183243.3); short protein forms R109Q, R142Q, R73Q, R106Q, R132Q, R57Q.
Identifiers: ClinVar variation 1430934 (VCV001430934.6), dbSNP rs552026245, ClinGen allele CA4471163.